The following is an entry in ClinVar:

NM_005422.4(TECTA):c.863T>C (p.Phe288Ser)

Genes: TBCEL-TECTA (TBCEL-TECTA readthrough; plus strand), TECTA (tectorin alpha; plus strand). Cytogenetic location: 11q23.3.
Variant type: single nucleotide variant.
Coding change: c.863T>C on transcript NM_005422.4 (MANE Select); coding-DNA position 863, T replaced by C.
Protein change: p.Phe288Ser; replaces phenylalanine 288 with serine.
Molecular consequence: missense variant.
Genome position (GRCh38, 1-based): chr11:121,118,378, T>C. VCF-style: chr11-121118378-T-C. GRCh37 (hg19) VCF-style: chr11-120989087-T-C.
Other names: c.1820T>C, p.Phe607Ser (NM_001378761.1); short protein forms F288S, F607S.
Identifiers: ClinVar variation 1326744 (VCV001326744.3), dbSNP rs771105351, ClinGen allele CA6326626.
Genomic context (GRCh38, chr11:121,118,378, plus strand): 5'-GGCGAGGGGAGGTGTTTTGGGATGACTTGAACTGCACCGTCAAGTGCCGCTGTCTGGATT[T>C]CAACAATGAGATCTACTGCCAGGAGGCTTCCTGTAGCCCCTACGAGGTGTGCGAACCCAA-3'
Protein context (NP_005413.2, residues 278-298): NCTVKCRCLD[Phe288Ser]NNEIYCQEAS

ClinVar aggregate classification (germline): Uncertain significance (1 of 4 stars; one submission).

Allele frequency attached by ClinVar (database versions not stated): gnomAD 0.00001; gnomAD exomes 0.00001 and 0.00002; TOPMed 0.00002; ExAC 0.00003.
gnomAD v4.1: 14 of 1,614,046 alleles (0.00087%); highest among the groups gnomAD compares: Non-Finnish European, 0.0012%; no homozygotes.

Submission:

GeneDx
Classification: Uncertain significance. Last evaluated: 2023-07-13. Review status: criteria provided, single submitter. Criteria: GeneDx Variant Classification Process June 2021. Collection method: clinical testing. Allele origin: germline. Affected: yes.
Comment: In silico analysis supports that this missense variant does not alter protein structure/function; Has not been previously published as pathogenic or benign to our knowledge; This variant is associated with the following publications: (PMID: 21520338, 9590290, 31554319)